The following is an entry in ClinVar:

ClinVar aggregate classification (germline): Pathogenic (1 of 4 stars; one submission).

Conditions:
Hereditary nonpolyposis colorectal neoplasms. Identifiers: MedGen C0009405, MeSH D003123.

Submission:

Labcorp Genetics (formerly Invitae), Labcorp
Classification: Pathogenic for Hereditary nonpolyposis colorectal neoplasms. Last evaluated: 2017-08-18. Review status: criteria provided, single submitter. Criteria: Invitae Variant Classification Sherloc (09022015). Collection method: clinical testing. Allele origin: germline.
Comment: This variant is a gross deletion of the genomic region encompassing exons 1-2 of the MSH6 gene, which includes the initiator codon. The 5' end of this event is unknown as it extends beyond the assayed region for this gene and therefore may encompass additional genes. The 3' boundary is likely confined to intron 2 of the MSH6 gene. This is expected to result in an absent or disrupted protein product. Gross deletions in MSH6 are known to be pathogenic. Several deletions encompassing exons 1-2 have been reported in the literature in individuals affected with Lynch syndrome (PMID:Â¬â€ 17117178,Â¬â€ 20591884,Â¬â€ 22691310, 15942939). For these reasons, this variant has been classified as Pathogenic.

NC_000002.12:g.(?_47783228)_(47791129_?)del

Genes: MSH6 (mutS homolog 6; plus strand), LOC129933707 (ATAC-STARR-seq lymphoblastoid silent region 11468; plus strand), LOC129933708 (ATAC-STARR-seq lymphoblastoid silent region 11469; plus strand). Cytogenetic location: 2p16.3.
Variant type: Deletion.
Identifiers: ClinVar variation 455066 (VCV000455066.1).